The following is an entry in ClinVar:

NM_001008537.3(NEXMIF):c.200T>A (p.Leu67Gln)

Gene: NEXMIF (neurite extension and migration factor; minus strand). Cytogenetic location: Xq13.3.
Variant type: single nucleotide variant.
Coding change: c.200T>A on transcript NM_001008537.3 (MANE Select); coding-DNA position 200, T replaced by A.
Protein change: p.Leu67Gln; replaces leucine 67 with glutamine.
Molecular consequence: missense variant.
Genome position (GRCh38, 1-based): chrX:74,744,357, A>T on the plus strand (T>A on the coding strand, the complement: NEXMIF is on the minus strand). VCF-style: chrX-74744357-A-T. GRCh37 (hg19) VCF-style: chrX-73964192-A-T.
Other names: short protein forms L67Q.
Identifiers: ClinVar variation 1307663 (VCV001307663.2), dbSNP rs2147441858, ClinGen allele CA413674109.
Genomic context (GRCh38, chrX:74,744,357, plus strand): 5'-GGTGCTTCAATCAGGCCCAAAGGAGAGGGCGGGCTCTGCATACAGGGCTTCTTAGAGGGT[A>T]GAGGCAGGAGACCTCTGGGATACATCAGGGTCTCTTTTTGTGCCACCGGTGTAGGCTGGA-3'
Protein context (NP_001008537.1, residues 57-77): TLMYPRGLLP[Leu67Gln]PSKKPCMQSP

ClinVar aggregate classification (germline): Uncertain significance (1 of 4 stars; one submission).

Submission:

GeneDx
Classification: Uncertain significance. Last evaluated: 2019-08-09. Review status: criteria provided, single submitter. Criteria: GeneDx Variant Classification Process June 2021. Collection method: clinical testing. Allele origin: germline. Affected: yes.
Comment: Not observed in large population cohorts (Lek et al., 2016); In silico analysis, which includes protein predictors and evolutionary conservation, supports that this variant does not alter protein structure/function; Has not been previously published as pathogenic or benign to our knowledge